The following is an entry in ClinVar:

ClinVar aggregate classification (germline): Uncertain significance (1 of 4 stars; one submission).

Submission:

Labcorp Genetics (formerly Invitae), Labcorp
Classification: Uncertain significance. Last evaluated: 2020-11-03. Review status: criteria provided, single submitter. Criteria: Invitae Variant Classification Sherloc (09022015). Collection method: clinical testing. Allele origin: germline.
Comment: This sequence change replaces isoleucine with leucine at codon 3182 of the SZT2 protein (p.Ile3182Leu). The isoleucine residue is weakly conserved and there is a small physicochemical difference between isoleucine and leucine. This variant is not present in population databases (ExAC no frequency). This variant has not been reported in the literature in individuals with SZT2-related conditions. Algorithms developed to predict the effect of missense changes on protein structure and function (SIFT, PolyPhen-2, Align-GVGD) all suggest that this variant is likely to be tolerated, but these predictions have not been confirmed by published functional studies and their clinical significance is uncertain. In summary, the available evidence is currently insufficient to determine the role of this variant in disease. Therefore, it has been classified as a Variant of Uncertain Significance.

NM_001365999.1(SZT2):c.9715A>C (p.Ile3239Leu)

Genes: SZT2 (SZT2 subunit of KICSTOR complex; plus strand), SZT2-AS1 (SZT2 antisense RNA 1; minus strand). Cytogenetic location: 1p34.2.
Variant type: single nucleotide variant.
Coding change: c.9715A>C on transcript NM_001365999.1 (MANE Select); coding-DNA position 9715, A replaced by C.
Protein change: p.Ile3239Leu; replaces isoleucine 3239 with leucine.
Molecular consequence: missense variant. On other transcripts: non-coding transcript variant (1).
Genome position (GRCh38, 1-based): chr1:43,448,230, A>C. VCF-style: chr1-43448230-A-C. GRCh37 (hg19) VCF-style: chr1-43913901-A-C.
Other names: c.9544A>C, p.Ile3182Leu (NM_015284.4); short protein forms I3239L, I3182L.
Identifiers: ClinVar variation 1496177 (VCV001496177.8), dbSNP rs1557605442, ClinGen allele CA340044268.